The following is an entry in ClinVar:

ClinVar aggregate classification (germline): Uncertain significance (1 of 4 stars; one submission).

Conditions:
Aortic aneurysm, familial thoracic 7 (AAT7). Also called: AORTIC DISSECTION, FAMILIAL, WITH OR WITHOUT AORTIC ANEURYSM. Identifiers: MedGen C3151077, MONDO:0013418, OMIM 613780.

Allele frequency attached by ClinVar (database versions not stated): gnomAD 0.00001.
gnomAD v4.1: 2 of 1,614,086 alleles (0.00012%); highest among the groups gnomAD compares: South Asian, 0.0011%; no homozygotes.

Submission:

Labcorp Genetics (formerly Invitae), Labcorp
Classification: Uncertain significance for Aortic aneurysm, familial thoracic 7. Last evaluated: 2022-09-23. Review status: criteria provided, single submitter. Criteria: Invitae Variant Classification Sherloc (09022015). Collection method: clinical testing. Allele origin: germline.
Comment: In summary, the available evidence is currently insufficient to determine the role of this variant in disease. Therefore, it has been classified as a Variant of Uncertain Significance. Advanced modeling of protein sequence and biophysical properties (such as structural, functional, and spatial information, amino acid conservation, physicochemical variation, residue mobility, and thermodynamic stability) performed at Invitae indicates that this missense variant is not expected to disrupt MYLK protein function. This variant has not been reported in the literature in individuals affected with MYLK-related conditions. This variant is not present in population databases (gnomAD no frequency). This sequence change replaces valine, which is neutral and non-polar, with leucine, which is neutral and non-polar, at codon 1249 of the MYLK protein (p.Val1249Leu).

NM_053025.4(MYLK):c.3745G>T (p.Val1249Leu)

Gene: MYLK (myosin light chain kinase; minus strand). Cytogenetic location: 3q21.1.
Variant type: single nucleotide variant.
Coding change: c.3745G>T on transcript NM_053025.4 (MANE Select); coding-DNA position 3745, G replaced by T.
Protein change: p.Val1249Leu; replaces valine 1249 with leucine.
Molecular consequence: missense variant.
Genome position (GRCh38, 1-based): chr3:123,666,305, C>A on the plus strand (G>T on the coding strand, the complement: MYLK is on the minus strand). VCF-style: chr3-123666305-C-A. GRCh37 (hg19) VCF-style: chr3-123385152-C-A.
Other names: c.3217G>T, p.Val1073Leu (NM_001321309.2); c.3538G>T, p.Val1180Leu (NM_053026.4, NM_053028.4); c.3745G>T, p.Val1249Leu (NM_053027.4); short protein forms V1180L, V1249L, V1073L.
Identifiers: ClinVar variation 1954149 (VCV001954149.5), dbSNP rs2059732297, ClinGen allele CA354230553.